The following is an entry in ClinVar:

NM_014000.3(VCL):c.2230A>C (p.Ile744Leu)

Gene: VCL (vinculin; plus strand). Cytogenetic location: 10q22.2.
Variant type: single nucleotide variant.
Coding change: c.2230A>C on transcript NM_014000.3 (MANE Select); coding-DNA position 2230, A replaced by C.
Protein change: p.Ile744Leu; replaces isoleucine 744 with leucine.
Molecular consequence: missense variant.
Genome position (GRCh38, 1-based): chr10:74,105,149, A>C. VCF-style: chr10-74105149-A-C. GRCh37 (hg19) VCF-style: chr10-75864907-A-C.
Other names: p.Ile744Leu; c.2230A>C, p.Ile744Leu (NM_003373.4); short protein forms I744L.
Identifiers: ClinVar variation 4541553 (VCV004541553.1).

ClinVar aggregate classification (germline): Uncertain significance (1 of 4 stars; one submission).

gnomAD v4.1: 1 of 1,614,222 alleles (0.000062%); no homozygotes.

Submission:

Mayo Clinic Laboratories, Mayo Clinic
Classification: Uncertain significance. Last evaluated: 2025-03-19. Review status: criteria provided, single submitter. Criteria: ACMG Guidelines, 2015. Collection method: clinical testing. Allele origin: germline. Observed: 1 variant allele.
Comment: BP4, PM2_supporting